The following is an entry in ClinVar:

NM_000112.4(SLC26A2):c.1157C>G (p.Ala386Gly)

Gene: SLC26A2 (solute carrier family 26 member 2; plus strand). Cytogenetic location: 5q32.
Variant type: single nucleotide variant.
Coding change: c.1157C>G on transcript NM_000112.4 (MANE Select); coding-DNA position 1157, C replaced by G.
Protein change: p.Ala386Gly; replaces alanine 386 with glycine.
Molecular consequence: missense variant.
Genome position (GRCh38, 1-based): chr5:149,980,750, C>G. VCF-style: chr5-149980750-C-G. GRCh37 (hg19) VCF-style: chr5-149360313-C-G.
Other names: short protein forms A386G.
Identifiers: ClinVar variation 1473129 (VCV001473129.5), dbSNP rs386833493, ClinGen allele CA3505393.

ClinVar aggregate classification (germline): Likely pathogenic (1 of 4 stars; one submission).

Conditions:
Achondrogenesis, type IB (ACG1B). Also called: Achondrogenesis Type 1B. Identifiers: Orphanet 932, Orphanet 93298, MedGen C0265274, MONDO:0010966, OMIM 600972.
Diastrophic dysplasia (DTD). Also called: Diastrophic dwarfism. Identifiers: Orphanet 628, MedGen C0220726, MONDO:0009107, OMIM 222600.
Multiple epiphyseal dysplasia type 4 (EDM4). Also called: SLC26A2-Related Multiple Epiphyseal Dysplasia; Multiple Epiphyseal Dysplasia, Recessive; MULTIPLE EPIPHYSEAL DYSPLASIA WITH BILAYERED PATELLAE; MULTIPLE EPIPHYSEAL DYSPLASIA WITH CLUBFOOT; MULTIPLE EPIPHYSEAL DYSPLASIA, AUTOSOMAL RECESSIVE. Identifiers: Orphanet 93307, MedGen C1847593, MONDO:0009189, OMIM 226900.
Atelosteogenesis type II (AO2). Also called: NEONATAL OSSEOUS DYSPLASIA I; Neonatal osseous dysplasia 1; SLC26A2-Related Atelosteogenesis. Identifiers: Orphanet 56304, MedGen C1850554, MONDO:0009727, OMIM 256050.

Allele frequency attached by ClinVar (database versions not stated): gnomAD exomes below 0.00001 and 0.00001; ExAC 0.00001.

Submission:

Labcorp Genetics (formerly Invitae), Labcorp
Classification: Likely pathogenic for Atelosteogenesis type II; Multiple epiphyseal dysplasia type 4; Achondrogenesis, type IB; Diastrophic dysplasia. Last evaluated: 2022-08-22. Review status: criteria provided, single submitter. Criteria: Invitae Variant Classification Sherloc (09022015). Collection method: clinical testing. Allele origin: germline.
Comment: This sequence change replaces alanine, which is neutral and non-polar, with glycine, which is neutral and non-polar, at codon 386 of the SLC26A2 protein (p.Ala386Gly). This variant is present in population databases (rs386833493, gnomAD 0.0009%). This variant has not been reported in the literature in individuals affected with SLC26A2-related conditions. ClinVar contains an entry for this variant (Variation ID: 1473129). Advanced modeling of protein sequence and biophysical properties (such as structural, functional, and spatial information, amino acid conservation, physicochemical variation, residue mobility, and thermodynamic stability) performed at Invitae indicates that this missense variant is expected to disrupt SLC26A2 protein function. This variant disrupts the p.Ala386 amino acid residue in SLC26A2. Other variant(s) that disrupt this residue have been determined to be pathogenic (PMID: 11241838; Invitae). This suggests that this residue is clinically significant, and that variants that disrupt this residue are likely to be disease-causing. In summary, the currently available evidence indicates that the variant is pathogenic, but additional data are needed to prove that conclusively. Therefore, this variant has been classified as Likely Pathogenic.

Literature cited by the submitters: PubMed 11241838.